The following is an entry in ClinVar:

NM_007294.4(BRCA1):c.5467+9C>A

Gene: BRCA1 (BRCA1 DNA repair associated; minus strand). Cytogenetic location: 17q21.31.
Variant type: single nucleotide variant.
Coding change: c.5467+9C>A on transcript NM_007294.4 (MANE Select); 9 bases into the intron after coding-DNA position 5467, C replaced by A.
Molecular consequence: intron variant.
Genome position (GRCh38, 1-based): chr17:43,047,634, G>T on the plus strand (C>A on the coding strand, the complement: BRCA1 is on the minus strand). VCF-style: chr17-43047634-G-T. GRCh37 (hg19) VCF-style: chr17-41199651-G-T.
Other names: c.2014+9C>A (NM_001408458.1, NM_001408461.1, NM_001408464.1 and 7 more transcripts); c.4576+9C>A (NM_001407967.1); c.5086+9C>A (NM_001407959.1); c.5200+9C>A (NM_001407931.1, NM_001407932.1, NM_001407928.1 and 4 more transcripts); c.5323+9C>A (NM_001407747.1, NM_001407745.1, NM_001407737.1 and 18 more transcripts); c.5083+9C>A (NM_001407962.1, NM_001407960.1); c.1654+9C>A (NM_001408512.1); c.1777+9C>A (NM_001408510.1); and 83 more.
Identifiers: ClinVar variation 629015 (VCV000629015.5), dbSNP rs80358031, ClinGen allele CA913187705.
Genomic context (GRCh38, chr17:43,047,634, plus strand): 5'-GGTAATGAGTGATAAACCAAACCCATGCAAAAGGACCCCATATAGCACAGGTACATGCAG[G>T]CACCTTACCATGGAAGCCATTGTCCTCTGTCCAGGCATCTGGCTGCACAACCACAATTGG-3'

ClinVar aggregate classification (germline): Likely benign (1 of 4 stars; one submission).

Conditions:
Hereditary cancer-predisposing syndrome. Also called: Hereditary neoplastic syndrome; Tumor predisposition; Hereditary Cancer Syndrome; Neoplastic Syndromes, Hereditary. Identifiers: Orphanet 140162, MedGen C0027672, MeSH D009386, MONDO:0015356.

Submissions (2):

Color Diagnostics, LLC DBA Color Health
Classification: Likely benign for Hereditary cancer-predisposing syndrome. Last evaluated: 2018-08-14. Review status: criteria provided, single submitter. Criteria: ACMG Guidelines, 2015. Collection method: clinical testing. Allele origin: germline.

Brotman Baty Institute, University of Washington
No classification provided (evidence only). Condition: Breast-ovarian cancer, familial 1. Review status: no classification provided. Collection method: in vitro. Allele origin: not applicable. Functional consequence: functionally_normal. Not counted in ClinVar's aggregate classification.
ClinVar note: "not provided" was previously submitted as the classification for the variant. However, the classification appeared to be based only on an observation of functional data so it was converted to no classification on 2025-07-30.